The following is an entry in ClinVar:

ClinVar aggregate classification (germline): Uncertain significance (1 of 4 stars; one submission).

Conditions:
Inborn genetic diseases. Identifiers: MedGen C0950123, MeSH D030342.

gnomAD v4.1: 1 of 1,614,180 alleles (0.000062%); no homozygotes.

Submission:

Ambry Genetics
Classification: Uncertain significance for Inborn genetic diseases. Last evaluated: 2022-05-02. Review status: criteria provided, single submitter. Criteria: Ambry Variant Classification Scheme 2023. Collection method: clinical testing. Allele origin: germline.
Comment: The p.M370L variant (also known as c.1108A>C), located in coding exon 9 of the EPAS1 gene, results from an A to C substitution at nucleotide position 1108. The methionine at codon 370 is replaced by leucine, an amino acid with highly similar properties. This amino acid position is conserved. In addition, the in silico prediction for this alteration is inconclusive. Since supporting evidence is limited at this time, the clinical significance of this alteration remains unclear.

NM_001430.5(EPAS1):c.1108A>C (p.Met370Leu)

Gene: EPAS1 (endothelial PAS domain protein 1; plus strand). Cytogenetic location: 2p21.
Variant type: single nucleotide variant.
Coding change: c.1108A>C on transcript NM_001430.5 (MANE Select); coding-DNA position 1108, A replaced by C.
Protein change: p.Met370Leu; replaces methionine 370 with leucine.
Molecular consequence: missense variant.
Genome position (GRCh38, 1-based): chr2:46,376,612, A>C. VCF-style: chr2-46376612-A-C. GRCh37 (hg19) VCF-style: chr2-46603751-A-C.
Other names: short protein forms M370L.
Identifiers: ClinVar variation 1794176 (VCV001794176.2), dbSNP rs1233737038, ClinGen allele CA346703195.
Genomic context (GRCh38, chr2:46,376,612, plus strand): 5'-AATGACGTGGTGTTCTCCATGGACCAGACTGAATCCCTGTTCAAGCCCCACCTGATGGCC[A>C]TGAACAGCATCTTTGATAGCAGTGGCAAGGGGGCTGTGTCTGAGAAGAGTAACTTCCTAT-3'
Protein context (NP_001421.2, residues 360-380): ESLFKPHLMA[Met370Leu]NSIFDSSGKG